The following is an entry in ClinVar:

ClinVar aggregate classification (germline): Uncertain significance (1 of 4 stars; one submission).

Submission:

Dasa
Classification: Uncertain significance. Last evaluated: 2024-11-19. Review status: criteria provided, single submitter. Criteria: DASA Assertion Criteria. Collection method: clinical testing. Allele origin: germline.
Comment: NM_017547.4(FOXRED1):c.220C>T (p.Leu74Phe) is a missense variant that results in the substitution of leucine with phenylalanine. This variant is rare in population databases. The currently available literature and clinical evidence are not sufficient to establish a definitive association between this variant and the reported condition. Therefore, this variant is classified as a variant of uncertain significance.

NM_017547.4(FOXRED1):c.220C>T (p.Leu74Phe)

Gene: FOXRED1 (FAD dependent oxidoreductase domain containing 1; plus strand). Cytogenetic location: 11q24.2.
Variant type: single nucleotide variant.
Coding change: c.220C>T on transcript NM_017547.4 (MANE Select); coding-DNA position 220, C replaced by T.
Protein change: p.Leu74Phe; replaces leucine 74 with phenylalanine.
Molecular consequence: missense variant. On other transcripts: 5 prime UTR variant (5), non-coding transcript variant (2), intron variant (3).
Genome position (GRCh38, 1-based): chr11:126,271,571, C>T. VCF-style: chr11-126271571-C-T. GRCh37 (hg19) VCF-style: chr11-126141466-C-T.
Other names: c.-338C>T (NM_001425171.1); c.-319C>T (NM_001425174.1, NM_001425175.1); c.-204-1398C>T (NM_001425168.1); c.-251-1398C>T (NM_001425172.1); c.-232-1398C>T (NM_001425173.1); c.220C>T, p.Leu74Phe (NM_001425160.1, NM_001425161.1, NM_001425163.1 and 4 more transcripts); c.-311C>T (NM_001425169.1); c.-291C>T (NM_001425170.1); short protein forms L74F.
Identifiers: ClinVar variation 4882693 (VCV004882693.2).
Genomic context (GRCh38, chr11:126,271,571, plus strand): 5'-CAAGACACCAGCCACCTGCCTCCCGAGCACTCGGATGTGGTGATCGTGGGAGGTGGGGTG[C>T]TTGGCTTGTCTGTGGCCTATTGGCTGAAGAAGCTGGAGAGCAGACGAGGTGCTATTCGAG-3'
Protein context (NP_060017.1, residues 64-84): SDVVIVGGGV[Leu74Phe]GLSVAYWLKK